The following is an entry in ClinVar:

ClinVar aggregate classification (germline): Benign. Review status: criteria provided, multiple submitters, no conflicts (2 of 4 stars). 9 submissions from 9 submitters: Benign (6). 3 of the submissions do not count toward it. Last evaluated 2026-02-04.

Conditions:
Brugada syndrome 5 (BRGDA5). Identifiers: Orphanet 130, Orphanet 871, MedGen C2748541, MONDO:0013015, OMIM 612838.

Allele frequency attached by ClinVar (database versions not stated): ESP Exome Variant Server 0.12481; gnomAD 0.13979 and 0.14005; gnomAD exomes 0.14367 and 0.14615; ExAC 0.14734; 1000 Genomes Project 30x 0.12492; 1000 Genomes Project 0.12740; TOPMed 0.13605.
gnomAD v4.1: 222,837 of 1,549,658 alleles (14%); highest among the groups gnomAD compares: East Asian, 20%; 16,941 homozygotes.

Submissions (9):

Labcorp Genetics (formerly Invitae), Labcorp
Classification: Benign for Brugada syndrome 5. Last evaluated: 2026-02-04. Review status: criteria provided, single submitter. Criteria: Invitae Variant Classification Sherloc (09022015). Collection method: clinical testing. Allele origin: germline.

Blueprint Genetics
Classification: Benign. Last evaluated: 2024-11-28. Review status: criteria provided, single submitter. Criteria: ACMG Guidelines, 2015. Collection method: clinical testing. Allele origin: germline.

Unidad de Genómica Garrahan, Hospital de Pediatría Garrahan
Classification: Benign. Last evaluated: 2024-07-31. Review status: criteria provided, single submitter. Criteria: ACMG Guidelines, 2015. Collection method: clinical testing. Allele origin: germline. Affected: no. Observed: 30 variant alleles.
Comment: This variant is classified as Benign based on local population frequency. This variant was detected in 32% of patients studied in a panel designed for Epileptic and Developmental Encephalopathy, Progressive Myoclonus Epilepsy and Abnormal Movements and Neurodegeneration with brain iron accumulation. Number of patients: 30. Only high quality variants are reported.

GeneDx
Classification: Benign. Last evaluated: 2013-07-22. Review status: criteria provided, single submitter. Criteria: GeneDx Variant Classification (06012015). Collection method: clinical testing. Allele origin: germline. Affected: yes.
Comment: This variant is considered likely benign or benign based on one or more of the following criteria: it is a conservative change, it occurs at a poorly conserved position in the protein, it is predicted to be benign by multiple in silico algorithms, and/or has population frequency not consistent with disease.

Biesecker Lab/Clinical Genomics Section, National Institutes of Health
Classification: Benign. Last evaluated: 2013-06-24. Review status: criteria provided, single submitter. Criteria: Ng et al. (Circ Cardiovasc Genet. 2013). Collection method: research. Allele origin: unknown. Observed: 44 variant alleles. Study: ClinSeq.
Comment: The study set was not selected for affection status in relation to any cancer. Pathogenicity categories were based on literature curation. See Pubmed ID:23861362 for details.

Medical sequencing

Breakthrough Genomics
Classification: Benign. Review status: criteria provided, single submitter. Criteria: ACMG Guidelines, 2015. Collection method: not provided. Allele origin: germline. Inheritance: Autosomal recessive inheritance. Affected: yes.

Clinical Genetics, Academic Medical Center
Classification: Benign. Review status: no assertion criteria provided. Collection method: clinical testing. Allele origin: germline. Affected: yes. Study: VKGL Data-share Consensus. Not counted in ClinVar's aggregate classification.

Genome Diagnostics Laboratory, University Medical Center Utrecht
Classification: Benign. Review status: no assertion criteria provided. Collection method: clinical testing. Allele origin: germline. Affected: yes. Study: VKGL Data-share Consensus. Not counted in ClinVar's aggregate classification.

Joint Genome Diagnostic Labs from Nijmegen and Maastricht, Radboudumc and MUMC+
Classification: Benign. Review status: no assertion criteria provided. Collection method: clinical testing. Allele origin: germline. Affected: yes. Study: VKGL Data-share Consensus. Not counted in ClinVar's aggregate classification.

NM_001037.5(SCN1B):c.448+296C>A

Gene: SCN1B (sodium voltage-gated channel beta subunit 1; plus strand). Cytogenetic location: 19q13.11.
Variant type: single nucleotide variant.
Coding change: c.448+296C>A on transcript NM_001037.5 (MANE Select); 296 bases into the intron after coding-DNA position 448, C replaced by A.
Molecular consequence: intron variant. On other transcripts: missense variant (1).
Genome position (GRCh38, 1-based): chr19:35,034,035, C>A. VCF-style: chr19-35034035-C-A. GRCh37 (hg19) VCF-style: chr19-35524939-C-A.
Other names: p.S248R:AGC>AGA; c.744C>A, p.Ser248Arg (NM_199037.5); c.349+296C>A (NM_001321605.2); short protein forms S248R.
Identifiers: ClinVar variation 138999 (VCV000138999.20), dbSNP rs67701503, ClinGen allele CA293222.
Genomic context (GRCh38, chr19:35,034,035, plus strand): 5'-CAGAACCCAGCTCTGTCACCTGTGCTGTATGACCTCTGGCAGGTGCCTTCTGTCTCTGAG[C>A]CAAAGGGTTGTCCTGGGCTTGCCCGGGATAATAATCCGATGTGTTTCTCGGGGTGTGGTT-3'